The following is an entry in ClinVar:

NM_153717.3(EVC):c.2449+317A>T

Gene: EVC (EvC ciliary complex subunit 1; plus strand). Cytogenetic location: 4p16.2.
Variant type: single nucleotide variant.
Coding change: c.2449+317A>T on transcript NM_153717.3 (MANE Select); 317 bases into the intron after coding-DNA position 2449, A replaced by T.
Molecular consequence: intron variant.
Genome position (GRCh38, 1-based): chr4:5,802,411, A>T. VCF-style: chr4-5802411-A-T. GRCh37 (hg19) VCF-style: chr4-5804138-A-T.
Other names: c.2449+317A>T (NM_001306090.2).
Identifiers: ClinVar variation 669969 (VCV000669969.2), dbSNP rs7694192, ClinGen allele CA11744185.

ClinVar aggregate classification (germline): Benign. Review status: criteria provided, multiple submitters, no conflicts (2 of 4 stars). 2 submissions from 2 submitters: Benign (2). Last evaluated 2018-06-17.

Allele frequency attached by ClinVar (database versions not stated): 1000 Genomes Project 0.05152; 1000 Genomes Project 30x 0.05575; gnomAD 0.06033 and 0.06346; TOPMed 0.06634.
gnomAD v4.1: 9,146 of 152,188 alleles (6%); highest among the groups gnomAD compares: African/African-American, 13%; 462 homozygotes.

Submissions (2):

GeneDx
Classification: Benign. Last evaluated: 2018-06-17. Review status: criteria provided, single submitter. Criteria: GeneDx Variant Classification (06012015). Collection method: clinical testing. Allele origin: germline. Affected: yes.
Comment: This variant is considered likely benign or benign based on one or more of the following criteria: it is a conservative change, it occurs at a poorly conserved position in the protein, it is predicted to be benign by multiple in silico algorithms, and/or has population frequency not consistent with disease.

Breakthrough Genomics
Classification: Benign. Review status: criteria provided, single submitter. Criteria: ACMG Guidelines, 2015. Collection method: not provided. Allele origin: germline. Inheritance: Autosomal recessive inheritance. Affected: yes.